The following is an entry in ClinVar:

NM_003738.5(PTCH2):c.2559C>T (p.Pro853=)

Gene: PTCH2 (patched 2; minus strand). Cytogenetic location: 1p34.1.
Variant type: single nucleotide variant.
Coding change: c.2559C>T on transcript NM_003738.5 (MANE Select); coding-DNA position 2559, C replaced by T.
Protein change: p.Pro853=; no amino-acid change (proline 853 retained).
Molecular consequence: synonymous variant.
Genome position (GRCh38, 1-based): chr1:44,827,038, G>A on the plus strand (C>T on the coding strand, the complement: PTCH2 is on the minus strand). VCF-style: chr1-44827038-G-A. GRCh37 (hg19) VCF-style: chr1-45292710-G-A.
Other names: c.2559C>T, p.Pro853= (NM_001166292.2).
Identifiers: ClinVar variation 700109 (VCV000700109.41), dbSNP rs148265788, ClinGen allele CA822966.

ClinVar aggregate classification (germline): Benign/Likely benign. Review status: criteria provided, multiple submitters, no conflicts (2 of 4 stars). 2 submissions from 2 submitters: Benign (1); Likely benign (1). Last evaluated 2025-11-10.

Conditions:
Gorlin syndrome. Also called: Nevoid Basal Cell Carcinoma Syndrome; Basal cell nevus syndrome. Identifiers: Orphanet 377, MedGen C0004779, MONDO:0007187.

Allele frequency attached by ClinVar (database versions not stated): gnomAD exomes 0.00012 and 0.00018; ExAC 0.00014; gnomAD 0.00025 and 0.00026; TOPMed 0.00026; ESP Exome Variant Server 0.00038; 1000 Genomes Project 30x 0.00094; 1000 Genomes Project 0.00100.
gnomAD v4.1: 297 of 1,614,110 alleles (0.018%); highest among the groups gnomAD compares: African/African-American, 0.051%; no homozygotes.

Submissions (2):

Labcorp Genetics (formerly Invitae), Labcorp
Classification: Benign for Gorlin syndrome. Last evaluated: 2025-11-10. Review status: criteria provided, single submitter. Criteria: Invitae Variant Classification Sherloc (09022015). Collection method: clinical testing. Allele origin: germline.

CeGaT Center for Human Genetics Tuebingen
Classification: Likely benign. Last evaluated: 2022-06-01. Review status: criteria provided, single submitter. Criteria: CeGaT Center For Human Genetics Tuebingen Variant Classification Criteria Version 2. Collection method: clinical testing. Allele origin: germline. Affected: yes. Observed: 1 variant allele.
Comment: PTCH2: BP4, BP7